The following is an entry in ClinVar:

ClinVar aggregate classification (germline): Uncertain significance (1 of 4 stars; one submission).

Conditions:
Charcot-Marie-Tooth disease recessive intermediate C. Also called: CHARCOT-MARIE-TOOTH NEUROPATHY, RECESSIVE INTERMEDIATE C. Identifiers: Orphanet 369867, MedGen C3809309, MONDO:0014154, OMIM 615376.
Neuronopathy, distal hereditary motor, autosomal recessive 4. Also called: Autosomal recessive lower motor neuron disease with childhood onset; NEUROPATHY, DISTAL HEREDITARY MOTOR, AUTOSOMAL RECESSIVE 4. Identifiers: Orphanet 206580, MedGen C1970211, MONDO:0012608, OMIM 611067.

Allele frequency attached by ClinVar (database versions not stated): gnomAD exomes below 0.00001 and 0.00001.
gnomAD v4.1: 2 of 1,609,098 alleles (0.00012%); highest among the groups gnomAD compares: East Asian, 0.0022%; no homozygotes.

Submission:

Labcorp Genetics (formerly Invitae), Labcorp
Classification: Uncertain significance for Neuronopathy, distal hereditary motor, autosomal recessive 4; Charcot-Marie-Tooth disease recessive intermediate C. Last evaluated: 2021-08-31. Review status: criteria provided, single submitter. Criteria: Invitae Variant Classification Sherloc (09022015). Collection method: clinical testing. Allele origin: germline.
Comment: This sequence change replaces arginine with cysteine at codon 411 of the PLEKHG5 protein (p.Arg411Cys). The arginine residue is weakly conserved and there is a large physicochemical difference between arginine and cysteine. This variant is not present in population databases (ExAC no frequency). This variant has not been reported in the literature in individuals affected with PLEKHG5-related conditions. Algorithms developed to predict the effect of missense changes on protein structure and function are either unavailable or do not agree on the potential impact of this missense change (SIFT: "Deleterious"; PolyPhen-2: "Possibly Damaging"; Align-GVGD: "Class C0"). In summary, the available evidence is currently insufficient to determine the role of this variant in disease. Therefore, it has been classified as a Variant of Uncertain Significance.

NM_020631.6(PLEKHG5):c.1231C>T (p.Arg411Cys)

Gene: PLEKHG5 (pleckstrin homology and RhoGEF domain containing G5; minus strand). Cytogenetic location: 1p36.31.
Variant type: single nucleotide variant.
Coding change: c.1231C>T on transcript NM_020631.6 (MANE Select); coding-DNA position 1231, C replaced by T.
Protein change: p.Arg411Cys; replaces arginine 411 with cysteine.
Molecular consequence: missense variant.
Genome position (GRCh38, 1-based): chr1:6,471,538, G>A on the plus strand (C>T on the coding strand, the complement: PLEKHG5 is on the minus strand). VCF-style: chr1-6471538-G-A. GRCh37 (hg19) VCF-style: chr1-6531598-G-A.
Other names: c.1342C>T, p.Arg448Cys (NM_001042663.3, NM_001265592.2); c.1231C>T, p.Arg411Cys (NM_001042664.2, NM_198681.4, NM_001042665.2 and 1 more transcripts); c.1438C>T, p.Arg480Cys (NM_001265593.2); short protein forms R411C, R448C, R480C.
Identifiers: ClinVar variation 1035434 (VCV001035434.6), dbSNP rs1271841187, ClinGen allele CA338129239.